The following is an entry in ClinVar:

NM_001041.4(SI):c.322T>G (p.Phe108Val)

Gene: SI (sucrase-isomaltase; minus strand). Cytogenetic location: 3q26.1.
Variant type: single nucleotide variant.
Coding change: c.322T>G on transcript NM_001041.4 (MANE Select); coding-DNA position 322, T replaced by G.
Protein change: p.Phe108Val; replaces phenylalanine 108 with valine.
Molecular consequence: missense variant.
Genome position (GRCh38, 1-based): chr3:165,069,129, A>C on the plus strand (T>G on the coding strand, the complement: SI is on the minus strand). VCF-style: chr3-165069129-A-C. GRCh37 (hg19) VCF-style: chr3-164786917-A-C.
Other names: c.322T>G (NM_001041.3); short protein forms F108V.
Identifiers: ClinVar variation 1366898 (VCV001366898.7), dbSNP rs146006371, ClinGen allele CA2691547.
Genomic context (GRCh38, chr3:165,069,129, plus strand): 5'-ACTTCTTACCAATACTTGTTGTTGTCATGTCTTGAACGTTATAACCATGATTATCAACGA[A>C]GAAGCACCAAGGAATAAGAGAGTCATTCCACGGCCTCCAGCAGCAGCCTCTCTGTGCACA-3'
Protein context (NP_001032.2, residues 98-118): WNDSLIPWCF[Phe108Val]VDNHGYNVQD

ClinVar aggregate classification (germline): Uncertain significance. Review status: criteria provided, multiple submitters, no conflicts (2 of 4 stars). 3 submissions from 3 submitters: Uncertain significance (3). Last evaluated 2025-03-17.

Conditions:
Inborn genetic diseases. Identifiers: MedGen C0950123, MeSH D030342.
Sucrase-isomaltase deficiency (CSID). Also called: Deficiency of isomaltase; Congenital sucrose isomaltose malabsorption; Sucrose isomaltose enzyme deficiency; SI DEFICIENCY. Identifiers: Orphanet 35122, MedGen C1283620, MONDO:0009114, OMIM 222900.

Allele frequency attached by ClinVar (database versions not stated): gnomAD exomes 0.00002 and 0.00003; ExAC 0.00004; ESP Exome Variant Server 0.00023; gnomAD 0.00024 and 0.00026; TOPMed 0.00026.
gnomAD v4.1: 66 of 1,613,506 alleles (0.0041%); highest among the groups gnomAD compares: African/African-American, 0.079%; no homozygotes.

Submissions (3):

Ambry Genetics
Classification: Uncertain significance for Inborn genetic diseases. Last evaluated: 2025-03-17. Review status: criteria provided, single submitter. Criteria: Ambry Variant Classification Scheme 2023. Collection method: clinical testing. Allele origin: germline.

Fulgent Genetics
Classification: Uncertain significance for Sucrase-isomaltase deficiency. Last evaluated: 2024-05-07. Review status: criteria provided, single submitter. Criteria: ACMG Guidelines, 2015. Collection method: clinical testing. Allele origin: germline.

Labcorp Genetics (formerly Invitae), Labcorp
Classification: Uncertain significance. Last evaluated: 2023-12-18. Review status: criteria provided, single submitter. Criteria: Invitae Variant Classification Sherloc (09022015). Collection method: clinical testing. Allele origin: germline.
Comment: This sequence change replaces phenylalanine, which is neutral and non-polar, with valine, which is neutral and non-polar, at codon 108 of the SI protein (p.Phe108Val). This variant is present in population databases (rs146006371, gnomAD 0.06%). This variant has not been reported in the literature in individuals affected with SI-related conditions. ClinVar contains an entry for this variant (Variation ID: 1366898). Advanced modeling of protein sequence and biophysical properties (such as structural, functional, and spatial information, amino acid conservation, physicochemical variation, residue mobility, and thermodynamic stability) has been performed at Invitae for this missense variant, however the output from this modeling did not meet the statistical confidence thresholds required to predict the impact of this variant on SI protein function. In summary, the available evidence is currently insufficient to determine the role of this variant in disease. Therefore, it has been classified as a Variant of Uncertain Significance.